The following is an entry in ClinVar:

ClinVar aggregate classification (germline): Pathogenic/Likely pathogenic. Review status: criteria provided, multiple submitters, no conflicts (2 of 4 stars). 6 submissions from 6 submitters: Pathogenic (2); Likely pathogenic (3). 1 of the submissions does not count toward it. Last evaluated 2026-03-30.

Conditions:
Cardiovascular phenotype. Identifiers: MedGen CN230736.
Dilated cardiomyopathy 1G (CMD1G). Identifiers: Orphanet 154, MedGen C1858763, MONDO:0011400, OMIM 604145.
Autosomal recessive limb-girdle muscular dystrophy type 2J (LGMDR10). Also called: Limb-girdle muscular dystrophy, type 2J; MUSCULAR DYSTROPHY, LIMB-GIRDLE, AUTOSOMAL RECESSIVE 10. Identifiers: Orphanet 140922, MedGen C1837342, MONDO:0012127, OMIM 608807.

Allele frequency attached by ClinVar (database versions not stated): TOPMed below 0.00001; gnomAD 0.00001; gnomAD exomes below 0.00001.
gnomAD v4.1: 2 of 1,613,298 alleles (0.00012%); highest among the groups gnomAD compares: Non-Finnish European, 0.00017%; no homozygotes.

Submissions (6):

Molecular Diagnostic Laboratory for Inherited Cardiovascular Disease, Montreal Heart Institute
Classification: Pathogenic for Cardiovascular phenotype. Last evaluated: 2026-03-30. Review status: criteria provided, single submitter. Criteria: ACMG Guidelines, 2015. Collection method: clinical testing. Allele origin: germline. Affected: yes.
Comment: PVS1, PS4_supp, PM2

Labcorp Genetics (formerly Invitae), Labcorp
Classification: Likely pathogenic for Dilated cardiomyopathy 1G; Autosomal recessive limb-girdle muscular dystrophy type 2J. Last evaluated: 2025-09-07. Review status: criteria provided, single submitter. Criteria: Invitae Variant Classification Sherloc (09022015). Collection method: clinical testing. Allele origin: germline.
Comment: This sequence change creates a premature translational stop signal (p.Trp19820*) in the TTN gene. While this is not anticipated to result in nonsense mediated decay, it is expected to create a truncated TTN protein. This variant is present in population databases (no rsID available, gnomAD 0.007%). This premature translational stop signal has been observed in individual(s) with dilated cardiomyopathy and/or early-onset atrial fibrillation (PMID: 30535219, 34011823; internal data). ClinVar contains an entry for this variant (Variation ID: 519027). This variant is located in the A band of TTN (PMID: 25589632). Truncating variants in this region are significantly overrepresented in patients affected with dilated cardiomyopathy (PMID: 25589632). Truncating variants in this region have also been reported in individuals affected with autosomal recessive centronuclear myopathy (PMID: 23975875). In summary, the currently available evidence indicates that the variant is pathogenic, but additional data are needed to prove that conclusively. Therefore, this variant has been classified as Likely Pathogenic.

Ambry Genetics
Classification: Likely pathogenic for Cardiovascular phenotype. Last evaluated: 2025-03-31. Review status: criteria provided, single submitter. Criteria: Ambry Variant Classification Scheme 2023. Collection method: clinical testing. Allele origin: germline.
Comment: The c.32265G>A (p.W10755*) alteration, located in exon 129 (coding exon 128) of the TTN gene, consists of a G to A substitution at nucleotide position 32265. This changes the amino acid from a tryptophan (W) to a stop codon at amino acid position 10755. This alteration is expected to result in loss of function by premature protein truncation or nonsense-mediated mRNA decay. Based on data from gnomAD, the A allele has an overall frequency of 0.003% (1/31252) total alleles studied. The highest observed frequency was 0.007% (1/15366) of European (non-Finnish) alleles. This variant (referred to as c.59460G>A, p.W19820*) was detected in an early-onset atrial fibrillation cohort (Choi, 2018). This exon is located in the A-band region of the N2-B isoform of the titin protein and is constitutively expressed in TTN transcripts (percent spliced in or PSI 100%). Based on the available evidence, this alteration is classified as likely pathogenic.

GeneDx
Classification: Pathogenic. Last evaluated: 2025-03-14. Review status: criteria provided, single submitter. Criteria: GeneDx Variant Classification Process June 2021. Collection method: clinical testing. Allele origin: germline. Affected: yes.
Comment: Nonsense variant predicted to result in protein truncation or nonsense mediated decay in a gene for which loss of function is a known mechanism of disease; Located in the A-band, a region of TTN for which truncating variants are significantly associated with autosomal dominant cardiomyopathy and also with autosomal recessive skeletal myopathies (PMID: 22335739, 32778822); Also reported in at least one individual with early onset atrial fibrillation (PMID: 30535219, 34495297); Not observed at significant frequency in large population cohorts (gnomAD); This variant is associated with the following publications: (PMID: 34495297, 22335739, 32778822, 30535219, 34011823)

Women's Health and Genetics/Laboratory Corporation of America, LabCorp
Classification: Likely pathogenic for Autosomal recessive limb-girdle muscular dystrophy type 2J. Last evaluated: 2024-03-01. Review status: criteria provided, single submitter. Criteria: LabCorp Variant Classification Summary - May 2015. Collection method: clinical testing. Allele origin: germline.
Comment: Variant summary: TTN c.51756G>A (p.Trp17252X) results in a premature termination codon, predicted to cause a truncation of the encoded protein or absence of the protein due to nonsense mediated decay, which are commonly known mechanisms for disease. The variant was absent in 248472 control chromosomes (gnomAD). c.51756G>A has been reported in the literature in at least one individual affected with Dilated Cardiomyopathy (example: Nguyen_2021). Nonsense, frameshift, and canonical splice-site variants in TTN are strongly associated with DCM when they affect exons encoding for the A-band region (PMIDs: 22335739, 24503780) and/or exons constitutively expressed (proportion spliced in [PSI]>0.9) in the primary cardiac isoforms (PMIDs: 25589632, 31216868, 32964742, 27869827), which is the case forthis variant. ClinVar contains an entry for this variant (Variation ID: 519027). Based on the evidence outlined above, the variant was classified as likely pathogenic.

KTest Genetics, KTest
Classification: Pathogenic for Dilated cardiomyopathy 1G. Review status: no assertion criteria provided. Criteria: ACMG Guidelines, 2015. Collection method: clinical testing. Allele origin: germline. Affected: yes. Not counted in ClinVar's aggregate classification.

Literature cited by the submitters: PubMed 30535219 (cited by 3 submitters); PubMed 34011823 (cited by Labcorp Genetics (formerly Invitae), Labcorp and Women's Health and Genetics/Laboratory Corporation of America, LabCorp); PubMed 25589632 (cited by Labcorp Genetics (formerly Invitae), Labcorp); PubMed 23975875 (cited by Labcorp Genetics (formerly Invitae), Labcorp); PubMed 34495297 (cited by Women's Health and Genetics/Laboratory Corporation of America, LabCorp).

NM_001267550.2(TTN):c.59460G>A (p.Trp19820Ter)

Genes: TTN (titin; minus strand), TTN-AS1 (TTN antisense RNA 1; plus strand), LOC126806424 (CDK7 strongly-dependent group 2 enhancer GRCh37_chr2:179456337-179457536; plus strand). Cytogenetic location: 2q31.2.
Variant type: single nucleotide variant.
Coding change: c.59460G>A on transcript NM_001267550.2 (MANE Select); coding-DNA position 59460, G replaced by A.
Protein change: p.Trp19820Ter; replaces tryptophan 19820 with a stop codon.
Molecular consequence: nonsense.
Genome position (GRCh38, 1-based): chr2:178,592,545, C>T on the plus strand (G>A on the coding strand, the complement: TTN is on the minus strand). VCF-style: chr2-178592545-C-T. GRCh37 (hg19) VCF-style: chr2-179457272-C-T.
Other names: c.59460G>A (NM_001267550.1); c.54537G>A, p.Trp18179Ter (NM_001256850.1); c.32265G>A, p.Trp10755Ter (NM_003319.4); c.51756G>A, p.Trp17252Ter (NM_133378.4); c.32640G>A, p.Trp10880Ter (NM_133432.3); c.32841G>A, p.Trp10947Ter (NM_133437.4); short protein forms W10755*, W19820*, W10880*, W17252*, W10947*, W18179*.
Identifiers: ClinVar variation 519027 (VCV000519027.19), dbSNP rs1250461669, ClinGen allele CA349493406.